The following is an entry in ClinVar:

NM_152703.5(SAMD9L):c.2446A>G (p.Asn816Asp)

Gene: SAMD9L (sterile alpha motif domain containing 9 like; minus strand). Cytogenetic location: 7q21.2.
Variant type: single nucleotide variant.
Coding change: c.2446A>G on transcript NM_152703.5 (MANE Select); coding-DNA position 2446, A replaced by G.
Protein change: p.Asn816Asp; replaces asparagine 816 with aspartic acid.
Molecular consequence: missense variant.
Genome position (GRCh38, 1-based): chr7:93,133,526, T>C on the plus strand (A>G on the coding strand, the complement: SAMD9L is on the minus strand). VCF-style: chr7-93133526-T-C. GRCh37 (hg19) VCF-style: chr7-92762839-T-C.
Other names: c.2446A>G, p.Asn816Asp (NM_001303496.3, NM_001303497.3, NM_001303498.3 and 5 more transcripts); short protein forms N816D.
Identifiers: ClinVar variation 3437166 (VCV003437166.1).

ClinVar aggregate classification (germline): Uncertain significance (1 of 4 stars; one submission).

Conditions:
Inborn genetic diseases. Identifiers: MedGen C0950123, MeSH D030342.

Submission:

Ambry Genetics
Classification: Uncertain significance for Inborn genetic diseases. Last evaluated: 2024-11-23. Review status: criteria provided, single submitter. Criteria: Ambry Variant Classification Scheme 2023. Collection method: clinical testing. Allele origin: germline.
Comment: The p.N816D variant (also known as c.2446A>G), located in coding exon 1 of the SAMD9L gene, results from an A to G substitution at nucleotide position 2446. The asparagine at codon 816 is replaced by aspartic acid, an amino acid with highly similar properties. This amino acid position is conserved. In addition, this alteration is predicted to be tolerated by in silico analysis. Based on the available evidence, the clinical significance of this variant remains unclear.